The following is an entry in ClinVar:

NM_015272.5(RPGRIP1L):c.2718T>C (p.Pro906=)

Gene: RPGRIP1L (RPGRIP1 like; minus strand). Cytogenetic location: 16q12.2.
Variant type: single nucleotide variant.
Coding change: c.2718T>C on transcript NM_015272.5 (MANE Select); coding-DNA position 2718, T replaced by C.
Protein change: p.Pro906=; no amino-acid change (proline 906 retained).
Molecular consequence: synonymous variant.
Genome position (GRCh38, 1-based): chr16:53,641,441, A>G on the plus strand (T>C on the coding strand, the complement: RPGRIP1L is on the minus strand). VCF-style: chr16-53641441-A-G. GRCh37 (hg19) VCF-style: chr16-53675353-A-G.
Other names: c.2718T>C, p.Pro906= (NM_001127897.4, NM_001308334.3, NM_001330538.2); c.2718T>C (NM_015272.4).
Identifiers: ClinVar variation 991017 (VCV000991017.14), dbSNP rs1038661631, ClinGen allele CA281372475.

ClinVar aggregate classification (germline): Likely benign. Review status: criteria provided, multiple submitters, no conflicts (2 of 4 stars). 4 submissions from 4 submitters: Likely benign (3). 1 of the submissions does not count toward it. Last evaluated 2024-11-07.

Conditions:
RPGRIP1L-related disorder. Also called: RPGRIP1L-related condition; RPGRIP1L-related disorders. Identifiers: MedGen CN239416.
Joubert syndrome. Also called: Familial aplasia of the vermis; JOUBERT-BOLTSHAUSER SYNDROME. Identifiers: Orphanet 475, MedGen C5979921, MONDO:0018772.
Meckel-Gruber syndrome. Also called: GRUBER SYNDROME; Dysencephalia splachnocystica; DYSENCEPHALIA SPLANCHNOCYSTICA. Identifiers: Orphanet 564, MedGen C0265215, MONDO:0018921.

Allele frequency attached by ClinVar (database versions not stated): gnomAD exomes below 0.00001 and 0.00001.
gnomAD v4.1: 15 of 1,614,038 alleles (0.00093%); highest among the groups gnomAD compares: Non-Finnish European, 0.0013%; no homozygotes.

Submissions (4):

PreventionGenetics, part of Exact Sciences
Classification: Likely benign for RPGRIP1L-related condition. Last evaluated: 2024-11-07. Review status: criteria provided, single submitter. Criteria: ACMG Guidelines, 2015. Collection method: clinical testing. Allele origin: germline.
Comment: This variant is classified as likely benign based on ACMG/AMP sequence variant interpretation guidelines (Richards et al. 2015 PMID: 25741868, with internal and published modifications).

Labcorp Genetics (formerly Invitae), Labcorp
Classification: Likely benign for Joubert syndrome; Meckel-Gruber syndrome. Last evaluated: 2023-05-23. Review status: criteria provided, single submitter. Criteria: Invitae Variant Classification Sherloc (09022015). Collection method: clinical testing. Allele origin: germline.

Blueprint Genetics
Classification: Likely benign. Last evaluated: 2022-07-28. Review status: criteria provided, single submitter. Criteria: ACMG Guidelines, 2015. Collection method: clinical testing. Allele origin: germline.

Natera, Inc.
Classification: Uncertain significance for Joubert syndrome. Last evaluated: 2020-11-11. Review status: no assertion criteria provided. Collection method: clinical testing. Allele origin: germline. Not counted in ClinVar's aggregate classification.